The following is an entry in ClinVar:

ClinVar aggregate classification (germline): Uncertain significance. Review status: criteria provided, multiple submitters, no conflicts (2 of 4 stars). 2 submissions from 2 submitters: Uncertain significance (2). Last evaluated 2025-11-23.

Conditions:
Inborn genetic diseases. Identifiers: MedGen C0950123, MeSH D030342.

Allele frequency attached by ClinVar (database versions not stated): gnomAD exomes below 0.00001; gnomAD 0.00001; TOPMed 0.00001.
gnomAD v4.1: 3 of 1,614,026 alleles (0.00019%); highest among the groups gnomAD compares: African/African-American, 0.004%; no homozygotes.

Submissions (2):

Ambry Genetics
Classification: Uncertain significance for Inborn genetic diseases. Last evaluated: 2025-11-23. Review status: criteria provided, single submitter. Criteria: Ambry Variant Classification Scheme 2023. Collection method: clinical testing. Allele origin: germline.

Labcorp Genetics (formerly Invitae), Labcorp
Classification: Uncertain significance. Last evaluated: 2023-09-03. Review status: criteria provided, single submitter. Criteria: Invitae Variant Classification Sherloc (09022015). Collection method: clinical testing. Allele origin: germline.
Comment: Advanced modeling of protein sequence and biophysical properties (such as structural, functional, and spatial information, amino acid conservation, physicochemical variation, residue mobility, and thermodynamic stability) performed at Invitae indicates that this missense variant is not expected to disrupt CLTC protein function. This sequence change replaces phenylalanine, which is neutral and non-polar, with serine, which is neutral and polar, at codon 1262 of the CLTC protein (p.Phe1262Ser). This variant is not present in population databases (gnomAD no frequency). This variant has not been reported in the literature in individuals affected with CLTC-related conditions. In summary, the available evidence is currently insufficient to determine the role of this variant in disease. Therefore, it has been classified as a Variant of Uncertain Significance.

NM_004859.4(CLTC):c.3773T>C (p.Phe1258Ser)

Gene: CLTC (clathrin heavy chain; plus strand). Cytogenetic location: 17q23.1.
Variant type: single nucleotide variant.
Coding change: c.3773T>C on transcript NM_004859.4 (MANE Select); coding-DNA position 3773, T replaced by C.
Protein change: p.Phe1258Ser; replaces phenylalanine 1258 with serine.
Molecular consequence: missense variant.
Genome position (GRCh38, 1-based): chr17:59,682,914, T>C. VCF-style: chr17-59682914-T-C. GRCh37 (hg19) VCF-style: chr17-57760275-T-C.
Other names: c.3785T>C, p.Phe1262Ser (NM_001288653.2); c.3773T>C (NM_004859.3); short protein forms F1262S, F1258S.
Identifiers: ClinVar variation 2894569 (VCV002894569.4), dbSNP rs1332973535, ClinGen allele CA400418920.